The following is an entry in ClinVar:

ClinVar aggregate classification (germline): Uncertain significance. Review status: criteria provided, single submitter (1 of 4 stars). 2 submissions from 2 submitters: Uncertain significance (1). 1 of the submissions does not count toward it. Last evaluated 2025-01-27.

Conditions:
Pontocerebellar hypoplasia type 1A (PCH1A). Also called: PONTOCEREBELLAR HYPOPLASIA WITH ANTERIOR HORN CELL DISEASE; PONTOCEREBELLAR HYPOPLASIA WITH INFANTILE SPINAL MUSCULAR ATROPHY. Identifiers: Orphanet 2254, Orphanet 88616, MedGen C1843504, MONDO:0011866, OMIM 607596.

gnomAD v4.1: 1 of 1,612,942 alleles (0.000062%); no homozygotes.

Submissions (2):

Labcorp Genetics (formerly Invitae), Labcorp
Classification: Uncertain significance for Pontocerebellar hypoplasia type 1A. Last evaluated: 2025-01-27. Review status: criteria provided, single submitter. Criteria: Invitae Variant Classification Sherloc (09022015). Collection method: clinical testing. Allele origin: germline.
Comment: This sequence change replaces proline, which is neutral and non-polar, with leucine, which is neutral and non-polar, at codon 315 of the VRK1 protein (p.Pro315Leu). This variant is not present in population databases (gnomAD no frequency). This variant has not been reported in the literature in individuals affected with VRK1-related conditions. ClinVar contains an entry for this variant (Variation ID: 578823). An algorithm developed to predict the effect of missense changes on protein structure and function (PolyPhen-2) suggests that this variant is likely to be disruptive. In summary, the available evidence is currently insufficient to determine the role of this variant in disease. Therefore, it has been classified as a Variant of Uncertain Significance.

Natera, Inc.
Classification: Uncertain significance for Pontocerebellar hypoplasia, type 1a. Last evaluated: 2021-01-28. Review status: no assertion criteria provided. Collection method: clinical testing. Allele origin: germline. Not counted in ClinVar's aggregate classification.

NM_003384.3(VRK1):c.944C>T (p.Pro315Leu)

Gene: VRK1 (VRK serine/threonine kinase 1; plus strand). Cytogenetic location: 14q32.2.
Variant type: single nucleotide variant.
Coding change: c.944C>T on transcript NM_003384.3 (MANE Select); coding-DNA position 944, C replaced by T.
Protein change: p.Pro315Leu; replaces proline 315 with leucine.
Molecular consequence: missense variant.
Genome position (GRCh38, 1-based): chr14:96,860,611, C>T. VCF-style: chr14-96860611-C-T. GRCh37 (hg19) VCF-style: chr14-97326948-C-T.
Other names: short protein forms P315L.
Identifiers: ClinVar variation 578823 (VCV000578823.9), dbSNP rs761494436, ClinGen allele CA390932060.
Genomic context (GRCh38, chr14:96,860,611, plus strand): 5'-TTTTAGGTGAAATTGCCAAATACATGGAAACAGTGAAATTACTAGACTACACTGAAAAAC[C>T]TCTTTATGAAAATTTACGTGACATTCTTTTGCAAGGACTAAAAGCTATAGGAAGTAAGGA-3'
Protein context (NP_003375.1, residues 305-325): TVKLLDYTEK[Pro315Leu]LYENLRDILL